The following is an entry in ClinVar:

NM_005450.6(NOG):c.208C>T (p.Leu70Phe)

Gene: NOG (noggin; plus strand). Cytogenetic location: 17q22.
Variant type: single nucleotide variant.
Coding change: c.208C>T on transcript NM_005450.6 (MANE Select); coding-DNA position 208, C replaced by T.
Protein change: p.Leu70Phe; replaces leucine 70 with phenylalanine.
Molecular consequence: missense variant.
Genome position (GRCh38, 1-based): chr17:56,594,431, C>T. VCF-style: chr17-56594431-C-T. GRCh37 (hg19) VCF-style: chr17-54671792-C-T.
Other names: short protein forms L70F.
Identifiers: ClinVar variation 1503592 (VCV001503592.6), dbSNP rs200290354, ClinGen allele CA8663152.

ClinVar aggregate classification (germline): Uncertain significance (1 of 4 stars; one submission).

Allele frequency attached by ClinVar (database versions not stated): gnomAD exomes below 0.00001; TOPMed below 0.00001; ExAC 0.00001.

Submission:

Labcorp Genetics (formerly Invitae), Labcorp
Classification: Uncertain significance. Last evaluated: 2023-02-10. Review status: criteria provided, single submitter. Criteria: Invitae Variant Classification Sherloc (09022015). Collection method: clinical testing. Allele origin: germline.
Comment: This sequence change replaces leucine, which is neutral and non-polar, with phenylalanine, which is neutral and non-polar, at codon 70 of the NOG protein (p.Leu70Phe). This variant is not present in population databases (gnomAD no frequency). This variant has not been reported in the literature in individuals affected with NOG-related conditions. ClinVar contains an entry for this variant (Variation ID: 1503592). Algorithms developed to predict the effect of missense changes on protein structure and function are either unavailable or do not agree on the potential impact of this missense change (SIFT: "Deleterious"; PolyPhen-2: "Possibly Damaging"; Align-GVGD: "Class C0"). In summary, the available evidence is currently insufficient to determine the role of this variant in disease. Therefore, it has been classified as a Variant of Uncertain Significance.